The following is an entry in ClinVar:

ClinVar aggregate classification (germline): Likely benign (1 of 4 stars; one submission).

gnomAD v4.1: 1 of 1,557,988 alleles (0.000064%); highest among the groups gnomAD compares: Non-Finnish European, 0.000087%; no homozygotes.

Submission:

CeGaT Center for Human Genetics Tuebingen
Classification: Likely benign. Last evaluated: 2023-03-01. Review status: criteria provided, single submitter. Criteria: CeGaT Center For Human Genetics Tuebingen Variant Classification Criteria Version 2. Collection method: clinical testing. Allele origin: germline. Affected: yes. Observed: 1 variant allele.
Comment: ITPR1: PM2:Supporting, BP4, BP7

NM_001378452.1(ITPR1):c.4926C>G (p.Pro1642=)

Genes: BRRIAR (BHLHE40 and RIG-I regulating ITPR1 antisense RNA; minus strand), ITPR1 (inositol 1,4,5-trisphosphate receptor type 1; plus strand). Cytogenetic location: 3p26.1.
Variant type: single nucleotide variant.
Coding change: c.4926C>G on transcript NM_001378452.1 (MANE Select); coding-DNA position 4926, C replaced by G.
Protein change: p.Pro1642=; no amino-acid change (proline 1642 retained).
Molecular consequence: synonymous variant.
Genome position (GRCh38, 1-based): chr3:4,710,408, C>G. VCF-style: chr3-4710408-C-G. GRCh37 (hg19) VCF-style: chr3-4752092-C-G.
Other names: c.4899C>G, p.Pro1633= (NM_001099952.4); c.4881C>G, p.Pro1627= (NM_001168272.2); c.4854C>G, p.Pro1618= (NM_002222.7).
Identifiers: ClinVar variation 2653456 (VCV002653456.24), dbSNP rs886058616, ClinGen allele CA432307680.